The following is an entry in ClinVar:

ClinVar aggregate classification (germline): Uncertain significance (0 of 4 stars; one submission).

Conditions:
CARD14-related disorder. Also called: CARD14-related condition.

gnomAD v4.1: 1 of 1,613,290 alleles (0.000062%); highest among the groups gnomAD compares: Non-Finnish European, 0.000085%; no homozygotes.

Submission:

PreventionGenetics, part of Exact Sciences
Classification: Uncertain significance for CARD14-related condition. Last evaluated: 2024-08-13. Review status: no assertion criteria provided. Collection method: clinical testing. Allele origin: germline.
Comment: The CARD14 c.1543G>C variant is predicted to result in the amino acid substitution p.Gly515Arg. To our knowledge, this variant has not been reported in the literature or in a large population database, indicating this variant is rare. At this time, the clinical significance of this variant is uncertain due to the absence of conclusive functional and genetic evidence.

NM_001366385.1(CARD14):c.1543G>C (p.Gly515Arg)

Gene: CARD14 (caspase recruitment domain family member 14; plus strand). Cytogenetic location: 17q25.3.
Variant type: single nucleotide variant.
Coding change: c.1543G>C on transcript NM_001366385.1 (MANE Select); coding-DNA position 1543, G replaced by C.
Protein change: p.Gly515Arg; replaces glycine 515 with arginine.
Molecular consequence: missense variant. On other transcripts: non-coding transcript variant (1).
Genome position (GRCh38, 1-based): chr17:80,195,601, G>C. VCF-style: chr17-80195601-G-C. GRCh37 (hg19) VCF-style: chr17-78169400-G-C.
Other names: c.1543G>C, p.Gly515Arg (NM_001257970.1, NM_024110.4); c.832G>C, p.Gly278Arg (NM_052819.3); short protein forms G278R, G515R.
Identifiers: ClinVar variation 3344597 (VCV003344597.1).